The following is an entry in ClinVar:

NM_025137.4(SPG11):c.1207C>T (p.His403Tyr)

Gene: SPG11 (SPG11 vesicle trafficking associated, spatacsin; minus strand). Cytogenetic location: 15q21.1.
Variant type: single nucleotide variant.
Coding change: c.1207C>T on transcript NM_025137.4 (MANE Select); coding-DNA position 1207, C replaced by T.
Protein change: p.His403Tyr; replaces histidine 403 with tyrosine.
Molecular consequence: missense variant.
Genome position (GRCh38, 1-based): chr15:44,651,740, G>A on the plus strand (C>T on the coding strand, the complement: SPG11 is on the minus strand). VCF-style: chr15-44651740-G-A. GRCh37 (hg19) VCF-style: chr15-44943938-G-A.
Other names: c.1207C>T, p.His403Tyr (NM_001160227.2); short protein forms H403Y.
Identifiers: ClinVar variation 1012843 (VCV001012843.42), dbSNP rs1331463203, ClinGen allele CA392236351.

ClinVar aggregate classification (germline): Uncertain significance. Review status: criteria provided, multiple submitters, no conflicts (2 of 4 stars). 6 submissions from 4 submitters: Uncertain significance (6). Last evaluated 2022-03-14.

Conditions:
Charcot-Marie-Tooth disease axonal type 2X. Also called: CHARCOT-MARIE-TOOTH DISEASE, AXONAL, AUTOSOMAL RECESSIVE, TYPE 2X; CHARCOT-MARIE-TOOTH NEUROPATHY, TYPE 2X. Identifiers: Orphanet 466775, MedGen C5569024, MONDO:0014726, OMIM 616668.
Amyotrophic lateral sclerosis type 5 (ALS5). Also called: AMYOTROPHIC LATERAL SCLEROSIS 5, JUVENILE. Identifiers: Orphanet 300605, MedGen C1865864, MONDO:0011196, OMIM 602099.
Hereditary spastic paraplegia 11. Also called: Spastic paraplegia, mental retardation and thin corpus callosum; Spastic Paraplegia 11; SPASTIC PARAPLEGIA, AUTOSOMAL RECESSIVE, COMPLICATED, WITH THIN CORPUS CALLOSUM; SPASTIC PARAPLEGIA, AUTOSOMAL RECESSIVE, WITH MENTAL IMPAIRMENT AND THIN CORPUS CALLOSUM; Nakamura Osame syndrome; Autosomal recessive hereditary spastic paraplegia, mental impairment, and thin corpus callosum. Identifiers: Orphanet 2822, MedGen C1858479, MONDO:0011445, OMIM 604360.

Allele frequency attached by ClinVar (database versions not stated): gnomAD 0.00001; gnomAD exomes 0.00001; TOPMed 0.00001.

Submissions (6):

Labcorp Genetics (formerly Invitae), Labcorp
Classification: Uncertain significance for Hereditary spastic paraplegia 11. Last evaluated: 2022-03-14. Review status: criteria provided, single submitter. Criteria: Invitae Variant Classification Sherloc (09022015). Collection method: clinical testing. Allele origin: germline.
Comment: This sequence change replaces histidine, which is basic and polar, with tyrosine, which is neutral and polar, at codon 403 of the SPG11 protein (p.His403Tyr). This variant is not present in population databases (gnomAD no frequency). This variant has not been reported in the literature in individuals affected with SPG11-related conditions. ClinVar contains an entry for this variant (Variation ID: 1012843). Algorithms developed to predict the effect of missense changes on protein structure and function (SIFT, PolyPhen-2, Align-GVGD) all suggest that this variant is likely to be tolerated. In summary, the available evidence is currently insufficient to determine the role of this variant in disease. Therefore, it has been classified as a Variant of Uncertain Significance.

CeGaT Center for Human Genetics Tuebingen
Classification: Uncertain significance. Last evaluated: 2020-10-01. Review status: criteria provided, single submitter. Criteria: CeGaT Center For Human Genetics Tuebingen Variant Classification Criteria Version 2. Collection method: clinical testing. Allele origin: germline. Affected: yes. Observed: 1 variant allele.

GeneDx
Classification: Uncertain significance. Last evaluated: 2019-11-22. Review status: criteria provided, single submitter. Criteria: GeneDx Variant Classification Process June 2021. Collection method: clinical testing. Allele origin: germline. Affected: yes.
Comment: Not observed in large population cohorts (Lek et al., 2016); In silico analysis, which includes protein predictors and evolutionary conservation, supports that this variant does not alter protein structure/function; Has not been previously published as pathogenic or benign to our knowledge

Genome-Nilou Lab
Classification: Uncertain significance for Amyotrophic lateral sclerosis type 5. Review status: criteria provided, single submitter. Criteria: ACMG Guidelines, 2015. Collection method: clinical testing. Allele origin: germline.

Genome-Nilou Lab
Classification: Uncertain significance for Charcot-Marie-Tooth disease axonal type 2X. Review status: criteria provided, single submitter. Criteria: ACMG Guidelines, 2015. Collection method: clinical testing. Allele origin: germline.

Genome-Nilou Lab
Classification: Uncertain significance for Hereditary spastic paraplegia 11. Review status: criteria provided, single submitter. Criteria: ACMG Guidelines, 2015. Collection method: clinical testing. Allele origin: germline.